The following is an entry in ClinVar:

ClinVar aggregate classification (germline): Conflicting classifications of pathogenicity. Review status: criteria provided, conflicting classifications (1 of 4 stars). 3 submissions from 3 submitters: Uncertain significance (2); Likely benign (1). Last evaluated 2024-04-15.

Conditions:
Inborn genetic diseases. Identifiers: MedGen C0950123, MeSH D030342.
Intellectual disability, CASK-related, X-linked. Identifiers: MedGen CN043158.

Allele frequency attached by ClinVar (database versions not stated): TOPMed below 0.00001; gnomAD 0.00001; gnomAD exomes 0.00001; ExAC 0.00002.
gnomAD v4.1: 13 of 1,205,278 alleles (0.0011%); highest among the groups gnomAD compares: East Asian, 0.003%; no homozygotes.

Submissions (4):

Labcorp Genetics (formerly Invitae), Labcorp
Classification: Likely benign for Intellectual disability, CASK-related, X-linked. Last evaluated: 2024-04-15. Review status: criteria provided, single submitter. Criteria: Invitae Variant Classification Sherloc (09022015). Collection method: clinical testing. Allele origin: germline.

Ambry Genetics
Classification: Uncertain significance for Inborn genetic diseases. Last evaluated: 2023-10-10. Review status: criteria provided, single submitter. Criteria: Ambry Variant Classification Scheme 2023. Collection method: clinical testing. Allele origin: germline.

GeneDx
Classification: Uncertain significance. Last evaluated: 2022-12-18. Review status: criteria provided, single submitter. Criteria: GeneDx Variant Classification Process June 2021. Collection method: clinical testing. Allele origin: germline. Affected: yes.
Comment: In silico analysis supports that this missense variant has a deleterious effect on protein structure/function; Has not been previously published as pathogenic or benign to our knowledge

Dr. Peter K. Rogan Lab, Western University
No classification provided (evidence only). Condition: Nonpapillary renal cell carcinoma. Review status: no classification provided. Collection method: in vitro. Allele origin: not applicable. Functional consequence: retained intron. Not counted in ClinVar's aggregate classification.

NM_001367721.1(CASK):c.2410G>A (p.Glu804Lys)

Gene: CASK (calcium/calmodulin dependent serine protein kinase; minus strand). Cytogenetic location: Xp11.4.
Variant type: single nucleotide variant.
Coding change: c.2410G>A on transcript NM_001367721.1 (MANE Select); coding-DNA position 2410, G replaced by A.
Protein change: p.Glu804Lys; replaces glutamic acid 804 with lysine.
Molecular consequence: missense variant.
Genome position (GRCh38, 1-based): chrX:41,531,117, C>T on the plus strand (G>A on the coding strand, the complement: CASK is on the minus strand). VCF-style: chrX-41531117-C-T. GRCh37 (hg19) VCF-style: chrX-41390370-C-T.
Other names: c.2326G>A, p.Glu776Lys (NM_001126054.3); c.2323G>A, p.Glu775Lys (NM_001126055.3); c.2392G>A, p.Glu798Lys (NM_001410745.1); c.2395G>A, p.Glu799Lys (NM_003688.4); short protein forms E775K, E804K, E799K, E776K, E798K.
Identifiers: ClinVar variation 968166 (VCV000968166.9), dbSNP rs751235198, ClinGen allele CA10390025.
Genomic context (GRCh38, chrX:41,531,117, plus strand): 5'-GGATGGTCTCCAGTTTTGTCCCATACATCGCATCCTCGTGGCTGCCGTACTCCAAGTACT[C>T]GTTATTAGAGATGTCTTGCATCATTTGGTCATGAGATACAAAGTAATAATTCTTTCCATT-3'
Protein context (NP_001354650.1, residues 794-814): DQMMQDISNN[Glu804Lys]YLEYGSHEDA